The following is an entry in ClinVar:

NM_001358235.2(DCHS2):c.2820C>G (p.His940Gln)

Gene: DCHS2 (dachsous cadherin-related 2; minus strand). Cytogenetic location: 4q31.3.
Variant type: single nucleotide variant.
Coding change: c.2820C>G on transcript NM_001358235.2 (MANE Select); coding-DNA position 2820, C replaced by G.
Protein change: p.His940Gln; replaces histidine 940 with glutamine.
Molecular consequence: missense variant.
Genome position (GRCh38, 1-based): chr4:154,333,388, G>C on the plus strand (C>G on the coding strand, the complement: DCHS2 is on the minus strand). VCF-style: chr4-154333388-G-C. GRCh37 (hg19) VCF-style: chr4-155254540-G-C.
Other names: c.2820C>G (NM_001358235.1); c.2820C>G, p.His940Gln (NM_001142552.2, NM_001412223.1); short protein forms H940Q.
Identifiers: ClinVar variation 2655140 (VCV002655140.25), dbSNP rs79215995, ClinGen allele CA3113347.

ClinVar aggregate classification (germline): Likely benign. Review status: criteria provided, single submitter (1 of 4 stars). 2 submissions from 2 submitters: Likely benign (1). 1 of the submissions does not count toward it. Last evaluated 2023-01-01.

Conditions:
DCHS2-related disorder. Also called: DCHS2-related condition.

Allele frequency attached by ClinVar (database versions not stated): 1000 Genomes Project 30x 0.00172; 1000 Genomes Project 0.00180; gnomAD 0.00401; TOPMed 0.00420; ESP Exome Variant Server 0.00423; ExAC 0.00470.
gnomAD v4.1: 9,183 of 1,614,154 alleles (0.57%); highest among the groups gnomAD compares: Non-Finnish European, 0.67%; 39 homozygotes.

Submissions (2):

CeGaT Center for Human Genetics Tuebingen
Classification: Likely benign. Last evaluated: 2023-01-01. Review status: criteria provided, single submitter. Criteria: CeGaT Center For Human Genetics Tuebingen Variant Classification Criteria Version 2. Collection method: clinical testing. Allele origin: germline. Affected: yes. Observed: 1 variant allele.
Comment: DCHS2: BP4, BS2

PreventionGenetics, part of Exact Sciences
Classification: Likely benign for DCHS2-related condition. Last evaluated: 2022-01-10. Review status: no assertion criteria provided. Collection method: clinical testing. Allele origin: germline. Not counted in ClinVar's aggregate classification.
Comment: This variant is classified as likely benign based on ACMG/AMP sequence variant interpretation guidelines (Richards et al. 2015 PMID: 25741868, with internal and published modifications).